The following is an entry in ClinVar:

NM_005045.4(RELN):c.7858C>A (p.Pro2620Thr)

Gene: RELN (reelin; minus strand). Cytogenetic location: 7q22.1.
Variant type: single nucleotide variant.
Coding change: c.7858C>A on transcript NM_005045.4 (MANE Select); coding-DNA position 7858, C replaced by A.
Protein change: p.Pro2620Thr; replaces proline 2620 with threonine.
Molecular consequence: missense variant.
Genome position (GRCh38, 1-based): chr7:103,519,327, G>T on the plus strand (C>A on the coding strand, the complement: RELN is on the minus strand). VCF-style: chr7-103519327-G-T. GRCh37 (hg19) VCF-style: chr7-103159774-G-T.
Other names: c.7858C>A, p.Pro2620Thr (NM_173054.3); short protein forms P2620T.
Identifiers: ClinVar variation 2942270 (VCV002942270.3), dbSNP rs1256654169, ClinGen allele CA368764492.
Genomic context (GRCh38, chr7:103,519,327, plus strand): 5'-CTGGTAGCAATCTCTGCTCGATGTACTCGTTATTAGATATCAAATCGAATACAAACCCGG[G>T]CTTACTGTACTGGTCATAGAAAATCTCCATGAGCAGGTTCCAGGTAATGCCTCCATTGAC-3'
Protein context (NP_005036.2, residues 2610-2630): MEIFYDQYSK[Pro2620Thr]GFVNILLPPD

ClinVar aggregate classification (germline): Uncertain significance (1 of 4 stars; one submission).

Conditions:
Familial temporal lobe epilepsy 7. Identifiers: Orphanet 101046, MedGen C4225327, MONDO:0014639, OMIM 616436.
Norman-Roberts syndrome (LIS2). Also called: Lissencephaly 2 (Norman-Roberts type). Identifiers: Orphanet 89844, MedGen C0796089, MONDO:0009760, OMIM 257320.

Allele frequency attached by ClinVar (database versions not stated): TOPMed below 0.00001.

Submission:

Labcorp Genetics (formerly Invitae), Labcorp
Classification: Uncertain significance for Familial temporal lobe epilepsy 7; Norman-Roberts syndrome. Last evaluated: 2024-05-05. Review status: criteria provided, single submitter. Criteria: Invitae Variant Classification Sherloc (09022015). Collection method: clinical testing. Allele origin: germline.
Comment: This sequence change replaces proline, which is neutral and non-polar, with threonine, which is neutral and polar, at codon 2620 of the RELN protein (p.Pro2620Thr). This variant is not present in population databases (gnomAD no frequency). This variant has not been reported in the literature in individuals affected with RELN-related conditions. Advanced modeling of protein sequence and biophysical properties (such as structural, functional, and spatial information, amino acid conservation, physicochemical variation, residue mobility, and thermodynamic stability) has been performed at Invitae for this missense variant, however the output from this modeling did not meet the statistical confidence thresholds required to predict the impact of this variant on RELN protein function. In summary, the available evidence is currently insufficient to determine the role of this variant in disease. Therefore, it has been classified as a Variant of Uncertain Significance.